The following is an entry in ClinVar:

ClinVar aggregate classification (germline): Likely pathogenic (1 of 4 stars; one submission).

Conditions:
Hereditary factor XI deficiency disease. Also called: Congenital factor XI deficiency; PLASMA THROMBOPLASTIN ANTECEDENT DEFICIENCY; PTA DEFICIENCY; ROSENTHAL SYNDROME. Identifiers: Orphanet 329, MedGen C0015523, MeSH D005173, MONDO:0012897, OMIM 612416.

Submission:

Myriad Genetics, Inc.
Classification: Likely pathogenic for Hereditary factor XI deficiency disease. Last evaluated: 2021-11-08. Review status: criteria provided, single submitter. Criteria: Myriad Women's Health Autosomal Recessive and X-Linked Classification Criteria (2021). Collection method: clinical testing. Allele origin: unknown.
Comment: NM_000128.3(F11):c.415A>T(R139*) is expected to be pathogenic in the context of factor XI deficiency. This variant is predicted to lead to an abnormal or absent protein product due to the creation of a premature termination codon in F11, a gene where loss-of-function variants are known to be pathogenic. Please note: this variant was assessed in the context of healthy population screening.

NM_000128.4(F11):c.415A>T (p.Arg139Ter)

Gene: F11 (coagulation factor XI; plus strand). Cytogenetic location: 4q35.2.
Variant type: single nucleotide variant.
Coding change: c.415A>T on transcript NM_000128.4 (MANE Select); coding-DNA position 415, A replaced by T.
Protein change: p.Arg139Ter; replaces arginine 139 with a stop codon.
Molecular consequence: nonsense.
Genome position (GRCh38, 1-based): chr4:186,274,205, A>T. VCF-style: chr4-186274205-A-T. GRCh37 (hg19) VCF-style: chr4-187195359-A-T.
Other names: c.415A>T, p.Arg139Ter (NM_001354804.2); short protein forms R139*.
Identifiers: ClinVar variation 1724307 (VCV001724307.2), dbSNP rs2477246721, ClinGen allele CA358958597.
Genomic context (GRCh38, chr4:186,274,205, plus strand): 5'-GACATGAAGGGCATAAACTATAACAGCTCAGTTGCCAAGAGTGCTCAAGAATGCCAAGAA[A>T]GATGCACGGATGACGTCCACTGCCACTTTTTCACGTACGCCACAAGGCAGTTTCCCAGCC-3'